The following is an entry in ClinVar:

NM_000218.3(KCNQ1):c.1109C>T (p.Ala370Val)

Gene: KCNQ1 (potassium voltage-gated channel subfamily Q member 1; plus strand). Cytogenetic location: 11p15.5.
Variant type: single nucleotide variant.
Coding change: c.1109C>T on transcript NM_000218.3 (MANE Select); coding-DNA position 1109, C replaced by T.
Protein change: p.Ala370Val; replaces alanine 370 with valine.
Molecular consequence: missense variant.
Genome position (GRCh38, 1-based): chr11:2,585,288, C>T. VCF-style: chr11-2585288-C-T. GRCh37 (hg19) VCF-style: chr11-2606518-C-T.
Other names: c.839C>T, p.Ala280Val (NM_001406837.1); c.728C>T, p.Ala243Val (NM_181798.2); short protein forms A243V, A370V, A280V.
Identifiers: ClinVar variation 629754 (VCV000629754.24), dbSNP rs775362401, ClinGen allele CA027096.

ClinVar aggregate classification (germline): Conflicting classifications of pathogenicity. Review status: criteria provided, conflicting classifications (1 of 4 stars). 8 submissions from 8 submitters: Likely pathogenic (1); Uncertain significance (5); Benign (1); Likely benign (1). Last evaluated 2025-12-18.

Conditions:
Atrial fibrillation. Identifiers: MedGen C0004238, MONDO:0004981, HP:0005110.
Long QT syndrome (LQTS). Identifiers: MedGen C0023976, MeSH D008133, MONDO:0002442. Disease mechanism: loss of function. Inheritance: Various modes of inheritance.
Cardiovascular phenotype. Identifiers: MedGen CN230736.
Cardiac arrhythmia. Also called: Arrhythmia; Cardiac rhythm disease. Identifiers: MedGen C0003811, MONDO:0007263, HP:0011675.
Long QT syndrome 1 (LQT1). Identifiers: Orphanet 101016, Orphanet 768, MedGen C4551647, MONDO:0100316, OMIM 192500, MONDO:0008646.
Atrial fibrillation, familial, 3 (ATFB3). Identifiers: MedGen C1837014, MONDO:0011857, OMIM 607554.
Beckwith-Wiedemann syndrome (BWS). Also called: Exomphalos macroglossia gigantism syndrome; EMG SYNDROME. Identifiers: Orphanet 116, MedGen C0004903, MONDO:0007534, OMIM 130650.
Short QT syndrome type 2. Identifiers: Orphanet 51083, MedGen C1865019, MONDO:0012313, OMIM 609621.
Jervell and Lange-Nielsen syndrome 1 (JLNS1). Also called: DEAFNESS, CONGENITAL, AND FUNCTIONAL HEART DISEASE; CARDIOAUDITORY SYNDROME OF JERVELL AND LANGE-NIELSEN; PROLONGED QT INTERVAL IN EKG AND SUDDEN DEATH; SURDO-CARDIAC SYNDROME. Identifiers: Orphanet 768, Orphanet 90647, MedGen C4551509, MONDO:0024540, OMIM 220400.

Allele frequency attached by ClinVar (database versions not stated): gnomAD 0.00001 and 0.00004; TOPMed 0.00002; gnomAD exomes 0.00008 and 0.00016; ExAC 0.00017.
gnomAD v4.1: 125 of 1,613,812 alleles (0.0077%); highest among the groups gnomAD compares: South Asian, 0.11%; 1 homozygote.

Submissions (8):

Color Diagnostics, LLC DBA Color Health
Classification: Uncertain significance for Cardiac arrhythmia. Last evaluated: 2025-12-18. Review status: criteria provided, single submitter. Criteria: ACMG Guidelines, 2015. Collection method: clinical testing. Allele origin: germline.
Comment: This missense variant replaces alanine with valine at codon 370 of the KCNQ1 protein. Computational prediction suggests that this variant may have deleterious impact on protein structure and function. To our knowledge, functional studies have not been reported for this variant. This variant been reported in an individual affected with sudden death (PMID: 26228265), in another individual suspected of having long QT syndrome (PMID: 32383558), and in a stillbirth case (PMID: 30615648). This variant has been identified in 125/1613812 chromosomes in the general population by the Genome Aggregation Database (gnomAD). The available evidence is insufficient to determine the role of this variant in disease conclusively. Therefore, this variant is classified as a Variant of Uncertain Significance.

Blueprint Genetics
Classification: Likely benign. Last evaluated: 2024-09-12. Review status: criteria provided, single submitter. Criteria: ACMG Guidelines, 2015. Collection method: clinical testing. Allele origin: germline.

All of Us Research Program, National Institutes of Health
Classification: Uncertain significance for Long QT syndrome. Last evaluated: 2024-07-20. Review status: criteria provided, single submitter. Criteria: ACMG Guidelines, 2015. Collection method: clinical testing. Allele origin: germline. Inheritance: Autosomal dominant inheritance. Observed: 8 variant alleles, 8 heterozygotes.
Comment: This missense variant replaces alanine with valine at codon 370 of the KCNQ1 protein. Computational prediction suggests that this variant may have deleterious impact on protein structure and function (internally defined REVEL score threshold >= 0.7, PMID: 27666373). To our knowledge, functional studies have not been reported for this variant. This variant been reported in an individual affected with sudden death (PMID: 26228265), in another individual suspected of having long QT syndrome (PMID: 32383558), and in a stillbirth case (PMID: 30615648). This variant has been identified in 41/282548 chromosomes in the general population by the Genome Aggregation Database (gnomAD). The relatively high frequency of this variant in the general population suggests that it is unlikely to be disease-causing. However, available evidence is insufficient to rule out the pathogenicity of this variant conclusively. The available evidence is insufficient to determine the role of this variant in disease conclusively. Therefore, this variant is classified as a Variant of Uncertain Significance.

This study involves interpretation of variants in research participants for the purpose of population health screening. Participant phenotype was not available at the time of variant classification. Additional details can be found in publication PMID: 35346344, PMCID: PMC8962531

Lildballe Lab, Aarhus University Hospital
Classification: Likely pathogenic for Atrial fibrillation. Last evaluated: 2024-03-01. Review status: criteria provided, single submitter. Criteria: ACMG Guidelines, 2015. Collection method: research. Allele origin: germline. Affected: yes.
Comment: PP2(sup), PM5(m) PP3(sup), BS2 (sup)

Labcorp Genetics (formerly Invitae), Labcorp
Classification: Uncertain significance for Long QT syndrome. Last evaluated: 2023-11-14. Review status: criteria provided, single submitter. Criteria: Invitae Variant Classification Sherloc (09022015). Collection method: clinical testing. Allele origin: germline.
Comment: This sequence change replaces alanine, which is neutral and non-polar, with valine, which is neutral and non-polar, at codon 370 of the KCNQ1 protein (p.Ala370Val). This variant is present in population databases (rs775362401, gnomAD 0.1%), including at least one homozygous and/or hemizygous individual. This missense change has been observed in individual(s) with sudden death (PMID: 26228265). ClinVar contains an entry for this variant (Variation ID: 629754). Advanced modeling of protein sequence and biophysical properties (such as structural, functional, and spatial information, amino acid conservation, physicochemical variation, residue mobility, and thermodynamic stability) performed at Invitae indicates that this missense variant is expected to disrupt KCNQ1 protein function with a positive predictive value of 95%. In summary, the available evidence is currently insufficient to determine the role of this variant in disease. Therefore, it has been classified as a Variant of Uncertain Significance.

Ambry Genetics
Classification: Benign for Cardiovascular phenotype. Last evaluated: 2022-08-05. Review status: criteria provided, single submitter. Criteria: Ambry Variant Classification Scheme 2023. Collection method: clinical testing. Allele origin: germline.

Fulgent Genetics
Classification: Uncertain significance for Beckwith-Wiedemann syndrome; Long QT syndrome 1; Jervell and Lange-Nielsen syndrome 1; Atrial fibrillation, familial, 3; Short QT syndrome type 2. Last evaluated: 2021-10-18. Review status: criteria provided, single submitter. Criteria: ACMG Guidelines, 2015. Collection method: clinical testing. Allele origin: unknown.

GeneDx
Classification: Uncertain significance. Last evaluated: 2020-04-02. Review status: criteria provided, single submitter. Criteria: GeneDx Variant Classification Process June 2021. Collection method: clinical testing. Allele origin: germline. Affected: yes.
Comment: In silico analysis supports that this missense variant has a deleterious effect on protein structure/function; This variant is associated with the following publications: (PMID: 32383558, 29197658, 26228265)

Literature cited by the submitters: PubMed 26228265 (cited by 4 submitters); PubMed 30615648 (cited by Color Diagnostics, LLC DBA Color Health and All of Us Research Program, National Institutes of Health); PubMed 32383558 (cited by 3 submitters); PubMed 25741886 (cited by Lildballe Lab, Aarhus University Hospital); PubMed 39481677 (cited by Lildballe Lab, Aarhus University Hospital).